The following is an entry in ClinVar:

NM_001374828.1(ARID1B):c.6449C>T (p.Thr2150Met)

Gene: ARID1B (AT-rich interaction domain 1B; plus strand). Cytogenetic location: 6q25.3.
Variant type: single nucleotide variant.
Coding change: c.6449C>T on transcript NM_001374828.1 (MANE Select); coding-DNA position 6449, C replaced by T.
Protein change: p.Thr2150Met; replaces threonine 2150 with methionine.
Molecular consequence: missense variant.
Genome position (GRCh38, 1-based): chr6:157,207,221, C>T. VCF-style: chr6-157207221-C-T. GRCh37 (hg19) VCF-style: chr6-157528355-C-T.
Other names: c.6080C>T (NM_020732.3); c.3950C>T, p.Thr1317Met (NM_001363725.2); c.6329C>T, p.Thr2110Met (NM_001371656.1, NM_001374820.1); c.6290C>T, p.Thr2097Met (NM_017519.3); short protein forms T1317M, T2097M, T2110M, T2150M.
Identifiers: ClinVar variation 1309415 (VCV001309415.2), dbSNP rs2128397023, ClinGen allele CA366248309.

ClinVar aggregate classification (germline): Uncertain significance (1 of 4 stars; one submission).

Submission:

GeneDx
Classification: Uncertain significance. Last evaluated: 2019-10-29. Review status: criteria provided, single submitter. Criteria: GeneDx Variant Classification Process June 2021. Collection method: clinical testing. Allele origin: germline. Affected: yes.
Comment: Not observed in large population cohorts (Lek et al., 2016); In silico analysis, which includes protein predictors and evolutionary conservation, supports a deleterious effect; Has not been previously published as pathogenic or benign to our knowledge